The following is an entry in ClinVar:

ClinVar aggregate classification (germline): Conflicting classifications of pathogenicity. Review status: criteria provided, conflicting classifications (1 of 4 stars). 2 submissions from 2 submitters: Uncertain significance (1); Likely benign (1). Last evaluated 2025-05-01.

Conditions:
Inborn genetic diseases. Identifiers: MedGen C0950123, MeSH D030342.

Allele frequency attached by ClinVar (database versions not stated): ExAC 0.00017; gnomAD exomes 0.00023 and 0.00043; ESP Exome Variant Server 0.00031; gnomAD 0.00032 and 0.00034; TOPMed 0.00035.
gnomAD v4.1: 688 of 1,613,206 alleles (0.043%); highest among the groups gnomAD compares: Non-Finnish European, 0.053%; no homozygotes.

Submissions (2):

CeGaT Center for Human Genetics Tuebingen
Classification: Likely benign. Last evaluated: 2025-05-01. Review status: criteria provided, single submitter. Criteria: CeGaT Center For Human Genetics Tuebingen Variant Classification Criteria Version 2. Collection method: clinical testing. Allele origin: germline. Affected: yes. Observed: 2 variant alleles.
Comment: FLG: BP4

Ambry Genetics
Classification: Uncertain significance for Inborn genetic diseases. Last evaluated: 2024-11-14. Review status: criteria provided, single submitter. Criteria: Ambry Variant Classification Scheme 2023. Collection method: clinical testing. Allele origin: germline.

NM_002016.2(FLG):c.3554T>C (p.Val1185Ala)

Genes: CCDST (cervical cancer associated DHX9 suppressive transcript; plus strand), FLG (filaggrin; minus strand). Cytogenetic location: 1q21.3.
Variant type: single nucleotide variant.
Coding change: c.3554T>C on transcript NM_002016.2 (MANE Select); coding-DNA position 3554, T replaced by C.
Protein change: p.Val1185Ala; replaces valine 1185 with alanine.
Molecular consequence: missense variant.
Genome position (GRCh38, 1-based): chr1:152,311,332, A>G on the plus strand (T>C on the coding strand, the complement: FLG is on the minus strand). VCF-style: chr1-152311332-A-G. GRCh37 (hg19) VCF-style: chr1-152283808-A-G.
Other names: c.3554T>C (NM_002016.1); short protein forms V1185A.
Identifiers: ClinVar variation 806215 (VCV000806215.45), dbSNP rs145534539, ClinGen allele CA1106630.